The following is an entry in ClinVar:

NM_174916.3(UBR1):c.1747A>G (p.Lys583Glu)

Gene: UBR1 (ubiquitin protein ligase E3 component n-recognin 1; minus strand). Cytogenetic location: 15q15.2.
Variant type: single nucleotide variant.
Coding change: c.1747A>G on transcript NM_174916.3 (MANE Select); coding-DNA position 1747, A replaced by G.
Protein change: p.Lys583Glu; replaces lysine 583 with glutamic acid.
Molecular consequence: missense variant.
Genome position (GRCh38, 1-based): chr15:43,043,317, T>C on the plus strand (A>G on the coding strand, the complement: UBR1 is on the minus strand). VCF-style: chr15-43043317-T-C. GRCh37 (hg19) VCF-style: chr15-43335515-T-C.
Other names: c.1747A>G (NM_174916.2); short protein forms K583E.
Identifiers: ClinVar variation 3907242 (VCV003907242.2).

ClinVar aggregate classification (germline): Uncertain significance. Review status: criteria provided, multiple submitters, no conflicts (2 of 4 stars). 2 submissions from 2 submitters: Uncertain significance (2). Last evaluated 2025-06-10.

Conditions:
Inborn genetic diseases. Identifiers: MedGen C0950123, MeSH D030342.

gnomAD v4.1: 8 of 1,614,052 alleles (0.0005%); highest among the groups gnomAD compares: Admixed American, 0.0033%; no homozygotes.

Submissions (2):

Women's Health and Genetics/Laboratory Corporation of America, LabCorp
Classification: Uncertain significance. Last evaluated: 2025-06-10. Review status: criteria provided, single submitter. Criteria: LabCorp Variant Classification Summary - May 2015. Collection method: clinical testing. Allele origin: germline.
Comment: Variant summary: UBR1 c.1747A>G (p.Lys583Glu) results in a conservative amino acid change in the encoded protein sequence. Algorithms developed to predict the effect of missense changes on protein structure and function are either unavailable or do not agree on the potential impact of this missense change. The variant was absent in 251442 control chromosomes. The available data on variant occurrences in the general population are insufficient to allow any conclusion about variant significance. To our knowledge, no occurrence of c.1747A>G in individuals affected with Johanson-Blizzard Syndrome and no experimental evidence demonstrating its impact on protein function have been reported. No submitters have cited clinical-significance assessments for this variant to ClinVar. Based on the evidence outlined above, the variant was classified as uncertain significance.

Ambry Genetics
Classification: Uncertain significance for Inborn genetic diseases. Last evaluated: 2025-06-03. Review status: criteria provided, single submitter. Criteria: Ambry Variant Classification Scheme 2023. Collection method: clinical testing. Allele origin: germline.